The following is an entry in ClinVar:

NM_001014.5(RPS10):c.432T>G (p.Ala144=)

Genes: RPS10-NUDT3 (RPS10-NUDT3 readthrough; minus strand), RPS10 (ribosomal protein S10; minus strand). Cytogenetic location: 6p21.31.
Variant type: single nucleotide variant.
Coding change: c.432T>G on transcript NM_001014.5 (MANE Select); coding-DNA position 432, T replaced by G.
Protein change: p.Ala144=; no amino-acid change (alanine 144 retained).
Molecular consequence: synonymous variant.
Genome position (GRCh38, 1-based): chr6:34,418,393, A>C on the plus strand (T>G on the coding strand, the complement: RPS10 is on the minus strand). VCF-style: chr6-34418393-A-C. GRCh37 (hg19) VCF-style: chr6-34386170-A-C.
Other names: c.432T>G, p.Ala144= (NM_001202470.3, NM_001203245.3, NM_001204091.2).
Identifiers: ClinVar variation 906570 (VCV000906570.13), dbSNP rs199758134, ClinGen allele CA3765015.
Genomic context (GRCh38, chr6:34,418,393, plus strand): 5'-TGATGGCTCATGGAAAACAAATAGGAAGATACTCACAAACTGGAATTCGGTTGCTGACCC[A>C]GCCCCAGCCTCGGCTTTCTTGTCGGCACCAGCTAGAAAGTGAAACATCGATTTAGAATCA-3'
Protein context (NP_001005.1, residues 134-154): PGADKKAEAG[Ala144=]GSATEFQFRG

ClinVar aggregate classification (germline): Benign/Likely benign. Review status: criteria provided, multiple submitters, no conflicts (2 of 4 stars). 3 submissions from 3 submitters: Benign (1); Likely benign (2). Last evaluated 2025-12-09.

Conditions:
Diamond-Blackfan anemia. Also called: Blackfan Diamond syndrome; Aregenerative anemia chronic congenital; Red cell aplasia, pure hereditary; Congenital hypoplastic anemia; Aase syndrome. Identifiers: Orphanet 124, MedGen C1260899, MeSH D029503, MONDO:0015253, HP:0004810.
Diamond-Blackfan anemia 9 (DBA9). Also called: RPS10-Related Diamond-Blackfan Anemia. Identifiers: Orphanet 124, MedGen C2750081, MONDO:0013216, OMIM 613308.

Allele frequency attached by ClinVar (database versions not stated): gnomAD exomes 0.00003 and 0.00011; gnomAD 0.00004 and 0.00006; ExAC 0.00008; TOPMed 0.00009; 1000 Genomes Project 0.00040; 1000 Genomes Project 30x 0.00078.
gnomAD v4.1: 57 of 1,614,208 alleles (0.0035%); highest among the groups gnomAD compares: Admixed American, 0.065%; no homozygotes.

Submissions (3):

Labcorp Genetics (formerly Invitae), Labcorp
Classification: Likely benign for Diamond-Blackfan anemia. Last evaluated: 2025-12-09. Review status: criteria provided, single submitter. Criteria: Invitae Variant Classification Sherloc (09022015). Collection method: clinical testing. Allele origin: germline.

Fulgent Genetics
Classification: Likely benign for Diamond-Blackfan anemia 9. Last evaluated: 2021-12-29. Review status: criteria provided, single submitter. Criteria: ACMG Guidelines, 2015. Collection method: clinical testing. Allele origin: unknown.

Illumina Laboratory Services, Illumina
Classification: Benign for Diamond-Blackfan anemia 9. Last evaluated: 2018-01-12. Review status: criteria provided, single submitter. Criteria: ICSL Variant Classification Criteria 13 December 2019. Collection method: clinical testing. Allele origin: germline.
Comment: This variant was observed in the ICSL laboratory as part of a predisposition screen in an ostensibly healthy population. It had not been previously curated by ICSL or reported in the Human Gene Mutation Database (HGMD: prior to June 1st, 2018), and was therefore a candidate for classification through an automated scoring system. Utilizing variant allele frequency, disease prevalence and penetrance estimates, and inheritance mode, an automated score was calculated to assess if this variant is too frequent to cause the disease. Based on the score and internal cut-off values, a variant classified as benign is not then subjected to further curation. The score for this variant resulted in a classification of benign for this disease.